The following is an entry in ClinVar:

ClinVar aggregate classification (germline): Uncertain significance. Review status: criteria provided, multiple submitters, no conflicts (2 of 4 stars). 3 submissions from 3 submitters: Uncertain significance (3). Last evaluated 2025-05-05.

Conditions:
Charcot-Marie-Tooth disease type 2. Also called: Charcot-Marie-Tooth type 2. Identifiers: Orphanet 64746, MedGen C0270914, MONDO:0018993.

Allele frequency attached by ClinVar (database versions not stated): gnomAD exomes 0.00001; TOPMed 0.00001.
gnomAD v4.1: 11 of 1,613,934 alleles (0.00068%); highest among the groups gnomAD compares: East Asian, 0.0022%; no homozygotes.

Submissions (3):

Ambry Genetics
Classification: Uncertain significance. Last evaluated: 2025-05-05. Review status: criteria provided, single submitter. Criteria: Ambry Variant Classification Scheme 2023. Collection method: clinical testing. Allele origin: germline.
Comment: The p.R1436W variant (also known as c.4306C>T), located in coding exon 39 of the KIF1B gene, results from a C to T substitution at nucleotide position 4306. The arginine at codon 1436 is replaced by tryptophan, an amino acid with dissimilar properties. This amino acid position is conserved. In addition, this alteration is predicted to be deleterious by in silico analysis. Since supporting evidence is limited at this time, the clinical significance of this alteration remains unclear.

Institute for Clinical Genetics, University Hospital TU Dresden, University Hospital TU Dresden
Classification: Uncertain significance. Last evaluated: 2021-11-03. Review status: criteria provided, single submitter. Criteria: ACMG Guidelines, 2015. Collection method: clinical testing. Allele origin: germline.

Labcorp Genetics (formerly Invitae), Labcorp
Classification: Uncertain significance for Charcot-Marie-Tooth disease type 2. Last evaluated: 2021-03-09. Review status: criteria provided, single submitter. Criteria: Invitae Variant Classification Sherloc (09022015). Collection method: clinical testing. Allele origin: germline.
Comment: This sequence change replaces arginine with tryptophan at codon 1436 of the KIF1B protein (p.Arg1436Trp). The arginine residue is highly conserved and there is a moderate physicochemical difference between arginine and tryptophan. This variant is not present in population databases (ExAC no frequency). This variant has not been reported in the literature in individuals with KIF1B-related conditions. Algorithms developed to predict the effect of missense changes on protein structure and function are either unavailable or do not agree on the potential impact of this missense change (SIFT: "Deleterious"; PolyPhen-2: "Probably Damaging"; Align-GVGD: "Class C0"). In summary, the available evidence is currently insufficient to determine the role of this variant in disease. Therefore, it has been classified as a Variant of Uncertain Significance.

NM_001365951.3(KIF1B):c.4444C>T (p.Arg1482Trp)

Gene: KIF1B (kinesin family member 1B; plus strand). Cytogenetic location: 1p36.22.
Variant type: single nucleotide variant.
Coding change: c.4444C>T on transcript NM_001365951.3 (MANE Select); coding-DNA position 4444, C replaced by T.
Protein change: p.Arg1482Trp; replaces arginine 1482 with tryptophan.
Molecular consequence: missense variant.
Genome position (GRCh38, 1-based): chr1:10,365,177, C>T. VCF-style: chr1-10365177-C-T. GRCh37 (hg19) VCF-style: chr1-10425235-C-T.
Other names: c.4444C>T, p.Arg1482Trp (NM_001365952.1); c.4306C>T, p.Arg1436Trp (NM_015074.3); short protein forms R1436W, R1482W.
Identifiers: ClinVar variation 1005538 (VCV001005538.14), dbSNP rs1461624745, ClinGen allele CA338320731.